The following is an entry in ClinVar:

ClinVar aggregate classification (germline): Benign/Likely benign. Review status: criteria provided, multiple submitters, no conflicts (2 of 4 stars). 4 submissions from 4 submitters: Benign (1); Likely benign (3). Last evaluated 2025-09-23.

Conditions:
Fanconi anemia complementation group N. Also called: PALB2-Related Fanconi Anemia. Identifiers: Orphanet 84, MedGen C1835817, MONDO:0012565, OMIM 610832. Disease mechanism: loss of function.
Familial cancer of breast. Also called: Hereditary breast cancer; BREAST CANCER, FAMILIAL; hereditary breast carcinoma. Identifiers: Orphanet 227535, MedGen C0346153, MONDO:0016419, OMIM 114480. Disease mechanism: loss of function.
Pancreatic cancer, susceptibility to, 3. Identifiers: Orphanet 1333, MedGen C3150547, MONDO:0013236, OMIM 613348.
Hereditary cancer-predisposing syndrome. Also called: Tumor predisposition; Neoplastic Syndromes, Hereditary; Hereditary Cancer Syndrome; Hereditary neoplastic syndrome. Identifiers: Orphanet 140162, MedGen C0027672, MeSH D009386, MONDO:0015356.

Submissions (4):

Labcorp Genetics (formerly Invitae), Labcorp
Classification: Likely benign for Familial cancer of breast. Last evaluated: 2025-09-23. Review status: criteria provided, single submitter. Criteria: Invitae Variant Classification Sherloc (09022015). Collection method: clinical testing. Allele origin: germline.

Myriad Genetics, Inc.
Classification: Benign for Familial cancer of breast. Last evaluated: 2025-01-16. Review status: criteria provided, single submitter. Criteria: Myriad Autosomal Dominant, Autosomal Recessive and X-Linked Classification Criteria (2023). Collection method: clinical testing. Allele origin: unknown.
Comment: This variant is considered benign. This variant is a silent/synonymous amino acid change and it is not expected to impact splicing.

Fulgent Genetics
Classification: Likely benign for Familial cancer of breast; Fanconi anemia complementation group N; Pancreatic cancer, susceptibility to, 3. Last evaluated: 2021-09-20. Review status: criteria provided, single submitter. Criteria: ACMG Guidelines, 2015. Collection method: clinical testing. Allele origin: unknown.

Ambry Genetics
Classification: Likely benign for Hereditary cancer-predisposing syndrome. Last evaluated: 2016-06-13. Review status: criteria provided, single submitter. Criteria: Ambry Variant Classification Scheme 2023. Collection method: clinical testing. Allele origin: germline.

NM_024675.4(PALB2):c.2424A>C (p.Gly808=)

Gene: PALB2 (partner and localizer of BRCA2; minus strand). Cytogenetic location: 16p12.2.
Variant type: single nucleotide variant.
Coding change: c.2424A>C on transcript NM_024675.4 (MANE Select); coding-DNA position 2424, A replaced by C.
Protein change: p.Gly808=; no amino-acid change (glycine 808 retained).
Molecular consequence: synonymous variant.
Genome position (GRCh38, 1-based): chr16:23,629,730, T>G on the plus strand (A>C on the coding strand, the complement: PALB2 is on the minus strand). VCF-style: chr16-23629730-T-G. GRCh37 (hg19) VCF-style: chr16-23641051-T-G.
Identifiers: ClinVar variation 415991 (VCV000415991.18), dbSNP rs1060504714, ClinGen allele CA16615085.
Genomic context (GRCh38, chr16:23,629,730, plus strand): 5'-GCATGTGTTTCTACAGAGCTGATTTTCTTTAAAAGTGAATGACTCAATGGGTGGAGGTGT[T>G]CCTGGCGGGACAGAGTCACAGTCACAGGTAGGTTGTCCTTGCCTGCCTGACACTTGCAGG-3'
Protein context (NP_078951.2, residues 798-818): PTCDCDSVPP[Gly808=]TPPPIESFTF